The following is an entry in ClinVar:

NM_001082538.3(TCTN1):c.156G>T (p.Arg52Ser)

Gene: TCTN1 (tectonic family member 1; plus strand). Cytogenetic location: 12q24.11.
Variant type: single nucleotide variant.
Coding change: c.156G>T on transcript NM_001082538.3 (MANE Select); coding-DNA position 156, G replaced by T.
Protein change: p.Arg52Ser; replaces arginine 52 with serine.
Molecular consequence: missense variant. On other transcripts: 5 prime UTR variant (4), non-coding transcript variant (1).
Genome position (GRCh38, 1-based): chr12:110,614,338, G>T. VCF-style: chr12-110614338-G-T. GRCh37 (hg19) VCF-style: chr12-111052143-G-T.
Other names: c.156G>T, p.Arg52Ser (NM_001082537.3, NM_001319680.2, NM_024549.6); c.-74G>T (NM_001173975.3, NM_001319682.3); c.-101G>T (NM_001173976.2); c.-552G>T (NM_001319681.2); short protein forms R52S.
Identifiers: ClinVar variation 2147438 (VCV002147438.4), dbSNP rs1194129577, ClinGen allele CA386700712.

ClinVar aggregate classification (germline): Uncertain significance (1 of 4 stars; one submission).

Conditions:
Joubert syndrome. Also called: CEREBELLOPARENCHYMAL DISORDER IV; JOUBERT-BOLTSHAUSER SYNDROME; Familial aplasia of the vermis. Identifiers: Orphanet 475, MedGen C5979921, MONDO:0018772.
Meckel-Gruber syndrome. Also called: DYSENCEPHALIA SPLANCHNOCYSTICA; GRUBER SYNDROME; Dysencephalia splachnocystica. Identifiers: Orphanet 564, MedGen C0265215, MONDO:0018921.

Allele frequency attached by ClinVar (database versions not stated): TOPMed below 0.00001.
gnomAD v4.1: 8 of 1,606,512 alleles (0.0005%); highest among the groups gnomAD compares: East Asian, 0.0022%; no homozygotes.

Submission:

Labcorp Genetics (formerly Invitae), Labcorp
Classification: Uncertain significance for Joubert syndrome; Meckel-Gruber syndrome. Last evaluated: 2022-03-22. Review status: criteria provided, single submitter. Criteria: Invitae Variant Classification Sherloc (09022015). Collection method: clinical testing. Allele origin: germline.
Comment: In summary, the available evidence is currently insufficient to determine the role of this variant in disease. Therefore, it has been classified as a Variant of Uncertain Significance. Algorithms developed to predict the effect of missense changes on protein structure and function (SIFT, PolyPhen-2, Align-GVGD) all suggest that this variant is likely to be tolerated. This variant has not been reported in the literature in individuals affected with TCTN1-related conditions. This variant is present in population databases (no rsID available, gnomAD 0.007%). This sequence change replaces arginine, which is basic and polar, with serine, which is neutral and polar, at codon 52 of the TCTN1 protein (p.Arg52Ser).